The following is an entry in ClinVar:

NM_003630.3(PEX3):c.604C>G (p.Leu202Val)

Gene: PEX3 (peroxisomal biogenesis factor 3; plus strand). Cytogenetic location: 6q24.2.
Variant type: single nucleotide variant.
Coding change: c.604C>G on transcript NM_003630.3 (MANE Select); coding-DNA position 604, C replaced by G.
Protein change: p.Leu202Val; replaces leucine 202 with valine.
Molecular consequence: missense variant.
Genome position (GRCh38, 1-based): chr6:143,472,185, C>G. VCF-style: chr6-143472185-C-G. GRCh37 (hg19) VCF-style: chr6-143793322-C-G.
Other names: short protein forms L202V.
Identifiers: ClinVar variation 2757320 (VCV002757320.3), dbSNP rs1562654936, ClinGen allele CA365912102.

ClinVar aggregate classification (germline): Uncertain significance (1 of 4 stars; one submission).

Submission:

Labcorp Genetics (formerly Invitae), Labcorp
Classification: Uncertain significance. Last evaluated: 2024-12-02. Review status: criteria provided, single submitter. Criteria: Invitae Variant Classification Sherloc (09022015). Collection method: clinical testing. Allele origin: germline.
Comment: This sequence change replaces leucine, which is neutral and non-polar, with valine, which is neutral and non-polar, at codon 202 of the PEX3 protein (p.Leu202Val). This variant is not present in population databases (gnomAD no frequency). This variant has not been reported in the literature in individuals affected with PEX3-related conditions. ClinVar contains an entry for this variant (Variation ID: 2757320). Invitae Evidence Modeling of protein sequence and biophysical properties (such as structural, functional, and spatial information, amino acid conservation, physicochemical variation, residue mobility, and thermodynamic stability) has been performed for this missense variant. However, the output from this modeling did not meet the statistical confidence thresholds required to predict the impact of this variant on PEX3 protein function. In summary, the available evidence is currently insufficient to determine the role of this variant in disease. Therefore, it has been classified as a Variant of Uncertain Significance.